The following is an entry in ClinVar:

ClinVar aggregate classification (germline): Conflicting classifications of pathogenicity. Review status: criteria provided, conflicting classifications (1 of 4 stars). 4 submissions from 4 submitters: Uncertain significance (1); Likely benign (2). 1 of the submissions does not count toward it. Last evaluated 2025-10-31.

Conditions:
HNF4A-related disorder. Also called: HNF4A-related condition.

Allele frequency attached by ClinVar (database versions not stated): gnomAD 0.00007 and 0.00012; ESP Exome Variant Server 0.00008; TOPMed 0.00010; gnomAD exomes 0.00017; 1000 Genomes Project 30x 0.00031; ExAC 0.00031.
gnomAD v4.1: 213 of 1,607,034 alleles (0.013%); highest among the groups gnomAD compares: Middle Eastern, 0.083%; no homozygotes.

Submissions (4):

Labcorp Genetics (formerly Invitae), Labcorp
Classification: Uncertain significance. Last evaluated: 2025-10-31. Review status: criteria provided, single submitter. Criteria: Invitae Variant Classification Sherloc (09022015). Collection method: clinical testing. Allele origin: germline.
Comment: This sequence change replaces proline, which is neutral and non-polar, with leucine, which is neutral and non-polar, at codon 190 of the HNF4A protein (p.Pro190Leu). This variant is present in population databases (rs201749293, gnomAD 0.04%), and has an allele count higher than expected for a pathogenic variant. This missense change has been observed in individual(s) with clinical features of HNF4A-related conditions (PMID: 26315042, 30191644, 32086287; internal data). This variant is also known as P212L. ClinVar contains an entry for this variant (Variation ID: 1698544). An algorithm developed to predict the effect of missense changes on protein structure and function outputs the following: PolyPhen-2: "Benign". The leucine amino acid residue is found in multiple mammalian species, which suggests that this missense change does not adversely affect protein function. In summary, the available evidence is currently insufficient to determine the role of this variant in disease. Therefore, it has been classified as a Variant of Uncertain Significance.

PreventionGenetics, part of Exact Sciences
Classification: Likely benign for HNF4A-related condition. Last evaluated: 2024-12-03. Review status: criteria provided, single submitter. Criteria: ACMG Guidelines, 2015. Collection method: clinical testing. Allele origin: germline.
Comment: This variant is classified as likely benign based on ACMG/AMP sequence variant interpretation guidelines (Richards et al. 2015 PMID: 25741868, with internal and published modifications).

Women's Health and Genetics/Laboratory Corporation of America, LabCorp
Classification: Likely benign. Last evaluated: 2024-07-08. Review status: criteria provided, single submitter. Criteria: LabCorp Variant Classification Summary - May 2015. Collection method: clinical testing. Allele origin: germline.
Comment: Variant summary: HNF4A c.569C>T (p.Pro190Leu) results in a non-conservative amino acid change located in the Nuclear hormone receptor, ligand-binding domain of the encoded protein sequence. Four of five in-silico tools predict a damaging effect of the variant on protein function. The variant allele was found at a frequency of 0.00017 in 235734 control chromosomes. The observed variant frequency is approximately 52.94 fold of the estimated maximal expected allele frequency for a pathogenic variant in HNF4A causing Maturity Onset Diabetes Of The Young 1/Neonatal Diabetes Mellitus phenotype (3.1e-06). c.569C>T was further reported by additional studies in the literature in heterozygous individuals affected with clinical features of Maturity Onset Diabetes Of The Young (Johnson_2019, Stankute_2020). These reports do not provide unequivocal conclusions about association of the variant with disease. To our knowledge, no experimental evidence demonstrating an impact on protein function has been reported. The following publications have been ascertained in the context of this evaluation (PMID: 26315042, 30191644, 32086287). ClinVar contains an entry for this variant (Variation ID: 1698544). Based on the evidence outlined above, the variant was classified as likely benign.

Genetic Services Laboratory, University of Chicago
Classification: Likely benign. Last evaluated: 2022-07-11. Review status: no assertion criteria provided. Collection method: clinical testing. Allele origin: germline. Affected: no. Not counted in ClinVar's aggregate classification.
Comment: DNA sequence analysis of the HNF4A gene demonstrated a sequence change, c.569C>T, in exon 5 that results in an amino acid change, p.Pro190Leu. This sequence change has previously been described in an individual with neonatal diabetes mellitus and an individual with MODY (PMID: 26315042, 30191644). This sequence change has been described in the gnomAD database with a frequency of 0.016% in the overall population (dbSNP rs201749293). The p.Pro190Leu change affects a moderately conserved amino acid residue located in a domain of the HNF4A protein that is known to be functional. The p.Pro190Leu substitution appears to be benign using several in-silico pathogenicity prediction tools (SIFT, PolyPhen2, Align GVGD, REVEL). Due to insufficient evidences and the lack of functional studies, the clinical significance of the p.Pro190Leu change remains unknown at this time.

Literature cited by the submitters: PubMed 26315042 (cited by Labcorp Genetics (formerly Invitae), Labcorp and Women's Health and Genetics/Laboratory Corporation of America, LabCorp); PubMed 30191644 (cited by Labcorp Genetics (formerly Invitae), Labcorp and Women's Health and Genetics/Laboratory Corporation of America, LabCorp); PubMed 32086287 (cited by Labcorp Genetics (formerly Invitae), Labcorp and Women's Health and Genetics/Laboratory Corporation of America, LabCorp).

NM_175914.5(HNF4A):c.569C>T (p.Pro190Leu)

Gene: HNF4A (hepatocyte nuclear factor 4 alpha; plus strand). Cytogenetic location: 20q13.12.
Variant type: single nucleotide variant.
Coding change: c.569C>T on transcript NM_175914.5 (MANE Select); coding-DNA position 569, C replaced by T.
Protein change: p.Pro190Leu; replaces proline 190 with leucine.
Molecular consequence: missense variant.
Genome position (GRCh38, 1-based): chr20:44,414,649, C>T. VCF-style: chr20-44414649-C-T. GRCh37 (hg19) VCF-style: chr20-43043289-C-T.
Other names: c.635C>T, p.Pro212Leu (NM_000457.6, NM_178849.3, NM_178850.3); c.569C>T, p.Pro190Leu (NM_001030003.3, NM_001030004.3); c.614C>T, p.Pro205Leu (NM_001258355.2); c.560C>T, p.Pro187Leu (NM_001287182.2, NM_001287183.2, NM_001287184.2); short protein forms P187L, P190L, P205L, P212L.
Identifiers: ClinVar variation 1698544 (VCV001698544.8), dbSNP rs201749293, ClinGen allele CA9870298.